The following is an entry in ClinVar:

NM_000521.4(HEXB):c.120_149dup (p.Ala50_Lys51insGluAlaAlaArgAlaProSerValSerAla)

Gene: HEXB (hexosaminidase subunit beta; plus strand). Cytogenetic location: 5q13.3.
Variant type: Duplication.
Coding change: c.120_149dup on transcript NM_000521.4 (MANE Select); coding-DNA positions 120 to 149, 30 bases duplicated (GGAGGCGGCTCGGGCCCCGAGCGTCTCGGC).
Protein change: p.Ala50_Lys51insGluAlaAlaArgAlaProSerValSerAla.
Molecular consequence: inframe insertion. On other transcripts: intron variant (1).
Genome position (GRCh38, 1-based): chr5:74,685,380-74,685,409, GGAGGCGGCTCGGGCCCCGAGCGTCTCGGC duplicated; duplicating any 30 consecutive bases within chr5:74,685,377-74,685,409 gives the same sequence; the c. name uses the placement nearest the transcript's 3' end. VCF-style (leftmost placement, unchanged base first): chr5-74685376-T-TGGCGGAGGCGGCTCGGGCCCCGAGCGTCTC. GRCh37 (hg19) VCF-style: chr5-73981201-T-TGGCGGAGGCGGCTCGGGCCCCGAGCGTCTC.
Other names: c.-376-3948_-376-3919dup (NM_001292004.2).
Identifiers: ClinVar variation 5004690 (VCV005004690.1).

ClinVar aggregate classification (germline): Uncertain significance (1 of 4 stars; one submission).

Conditions:
Sandhoff disease. Also called: HEXOSAMINIDASES A AND B DEFICIENCY; GM2-GANGLIOSIDOSIS, TYPE II; Beta-hexosaminidase-beta-subunit deficiency; GM2 gangliosidosis, type 2; Total hexosaminidase deficiency; Sandhoff-Jatzkewitz-Pilz disease. Identifiers: Orphanet 796, MedGen C0036161, MONDO:0010006, OMIM 268800.

Submission:

Myriad Genetics, Inc.
Classification: Uncertain significance for Sandhoff disease. Last evaluated: 2026-05-21. Review status: criteria provided, single submitter. Criteria: Myriad Autosomal Dominant, Autosomal Recessive and X-Linked Classification Criteria (2023). Collection method: clinical testing. Allele origin: unknown.
Comment: NM_000521.3(HEXB):c.120_149dup30(E41_A50dup) is an in-frame insertion classified as a variant of uncertain significance in the context of Sandhoff disease. E41_A50dup has not been observed in cases with relevant disease. Relevant functional assessments of this variant are not available in the literature. E41_A50dup has not been observed in referenced population frequency databases. In summary, there is insufficient evidence to classify NM_000521.3(HEXB):c.120_149dup30(E41_A50dup) as pathogenic or benign. Please note: this variant was assessed in the context of healthy population screening.